The following is an entry in ClinVar:

NM_032447.5(FBN3):c.3082+7G>A

Gene: FBN3 (fibrillin 3; minus strand). Cytogenetic location: 19p13.2.
Variant type: single nucleotide variant.
Coding change: c.3082+7G>A on transcript NM_032447.5 (MANE Select); 7 bases into the intron after coding-DNA position 3082, G replaced by A.
Molecular consequence: intron variant.
Genome position (GRCh38, 1-based): chr19:8,123,457, C>T on the plus strand (G>A on the coding strand, the complement: FBN3 is on the minus strand). VCF-style: chr19-8123457-C-T. GRCh37 (hg19) VCF-style: chr19-8188341-C-T.
Other names: c.3082+7G>A (NM_001321431.2, NM_001321431.1).
Identifiers: ClinVar variation 2067289 (VCV002067289.6), dbSNP rs201473836, ClinGen allele CA9152611.
Genomic context (GRCh38, chr19:8,123,457, plus strand): 5'-GTCTTATTTGAGGCCCCTATCCCTGCCAAGGATCACGCTCTCTCCAAGAGGCAGAGGTGG[C>T]ACCTACCTGTGCAGTTCCGTTCCTGGGCATCCAGGGCGAAGCCCCCCGCACAGGCGCAGT-3'

ClinVar aggregate classification (germline): Benign. Review status: criteria provided, single submitter (1 of 4 stars). 2 submissions from 2 submitters: Benign (1). 1 of the submissions does not count toward it. Last evaluated 2025-08-06.

Conditions:
FBN3-related disorder. Also called: FBN3-related condition.

Allele frequency attached by ClinVar (database versions not stated): 1000 Genomes Project 0.00060; 1000 Genomes Project 30x 0.00078; ESP Exome Variant Server 0.00154.
gnomAD v4.1: 298 of 1,613,186 alleles (0.018%); highest among the groups gnomAD compares: African/African-American, 0.36%; no homozygotes.

Submissions (2):

Labcorp Genetics (formerly Invitae), Labcorp
Classification: Benign. Last evaluated: 2025-08-06. Review status: criteria provided, single submitter. Criteria: Invitae Variant Classification Sherloc (09022015). Collection method: clinical testing. Allele origin: germline.

PreventionGenetics, part of Exact Sciences
Classification: Likely benign for FBN3-related condition. Last evaluated: 2022-02-18. Review status: no assertion criteria provided. Collection method: clinical testing. Allele origin: germline. Not counted in ClinVar's aggregate classification.
Comment: This variant is classified as likely benign based on ACMG/AMP sequence variant interpretation guidelines (Richards et al. 2015 PMID: 25741868, with internal and published modifications).